The following is an entry in ClinVar:

ClinVar aggregate classification (germline): Uncertain significance (1 of 4 stars; one submission).

Conditions:
T-B+ severe combined immunodeficiency due to JAK3 deficiency. Also called: SCID, autosomal recessive, T-negative/B-positive type; SCID, T CELL-NEGATIVE, B CELL-POSITIVE, NK CELL-NEGATIVE. Identifiers: Orphanet 35078, MedGen C1833275, MONDO:0010938, OMIM 600802.

gnomAD v4.1: 1 of 1,573,918 alleles (0.000064%); highest among the groups gnomAD compares: Non-Finnish European, 0.000086%; no homozygotes.

Submission:

Labcorp Genetics (formerly Invitae), Labcorp
Classification: Uncertain significance for T-B+ severe combined immunodeficiency due to JAK3 deficiency. Last evaluated: 2024-10-16. Review status: criteria provided, single submitter. Criteria: Invitae Variant Classification Sherloc (09022015). Collection method: clinical testing. Allele origin: germline.
Comment: This sequence change affects codon 1069 of the JAK3 mRNA. It is a 'silent' change, meaning that it does not change the encoded amino acid sequence of the JAK3 protein. This variant also falls at the last nucleotide of exon 23, which is part of the consensus splice site for this exon. This variant is not present in population databases (gnomAD no frequency). This variant has not been reported in the literature in individuals affected with JAK3-related conditions. ClinVar contains an entry for this variant (Variation ID: 1913971). Variants that disrupt the consensus splice site are a relatively common cause of aberrant splicing (PMID: 17576681, 9536098). Algorithms developed to predict the effect of sequence changes on RNA splicing suggest that this variant may disrupt the consensus splice site. In summary, the available evidence is currently insufficient to determine the role of this variant in disease. Therefore, it has been classified as a Variant of Uncertain Significance.

Literature cited by the submitters: PubMed 17576681; PubMed 9536098.

NM_000215.4(JAK3):c.3207G>A (p.Glu1069=)

Gene: JAK3 (Janus kinase 3; minus strand). Cytogenetic location: 19p13.11.
Variant type: single nucleotide variant.
Coding change: c.3207G>A on transcript NM_000215.4 (MANE Select); coding-DNA position 3207, G replaced by A.
Protein change: p.Glu1069=; no amino-acid change (glutamic acid 1069 retained).
Molecular consequence: synonymous variant.
Genome position (GRCh38, 1-based): chr19:17,830,108, C>T on the plus strand (G>A on the coding strand, the complement: JAK3 is on the minus strand). VCF-style: chr19-17830108-C-T. GRCh37 (hg19) VCF-style: chr19-17940917-C-T.
Identifiers: ClinVar variation 1913971 (VCV001913971.5), dbSNP rs2514543035, ClinGen allele CA506002799.
Genomic context (GRCh38, chr19:17,830,108, plus strand): 5'-GCCCGAGACCCCGGCCCAATCTACAGACTGGGAAACTGAGGCTAGCCCTGCGGCGCTCAC[C>T]TCAGCAGGGCAGGCAGGAGGCGCCGGCAGCCTCTGGCCCTCCTCCAGCAGTTCCAAGAGG-3'
Protein context (NP_000206.2, residues 1059-1079): RLPAPPACPA[Glu1069=]VHELMKLCWA